The following is an entry in ClinVar:

NM_000492.4(CFTR):c.-13C>A

Genes: CFTR (CF transmembrane conductance regulator; plus strand), LOC111674463 (CFTR promoter region; plus strand). Cytogenetic location: 7q31.2.
Variant type: single nucleotide variant.
Coding change: c.-13C>A on transcript NM_000492.4 (MANE Select); 13 bases upstream of the start codon, C replaced by A.
Molecular consequence: 5 prime UTR variant.
Genome position (GRCh38, 1-based): chr7:117,480,082, C>A. VCF-style: chr7-117480082-C-A. GRCh37 (hg19) VCF-style: chr7-117120136-C-A.
Identifiers: ClinVar variation 2413278 (VCV002413278.3), dbSNP rs902914688, ClinGen allele CA2580076277.

ClinVar aggregate classification (germline): Uncertain significance (1 of 4 stars; one submission).

Conditions:
Cystic fibrosis (CF). Also called: MUCOVISCIDOSIS. Identifiers: Orphanet 586, MedGen C0010674, MONDO:0009061, OMIM 219700. Disease mechanism: loss of function.

Submission:

Labcorp Genetics (formerly Invitae), Labcorp
Classification: Uncertain significance for Cystic fibrosis. Last evaluated: 2022-05-15. Review status: criteria provided, single submitter. Criteria: Invitae Variant Classification Sherloc (09022015). Collection method: clinical testing. Allele origin: germline.
Comment: This variant occurs in a non-coding region of the CFTR gene. It does not change the encoded amino acid sequence of the CFTR protein. This variant is not present in population databases (gnomAD no frequency). This variant has not been reported in the literature in individuals affected with CFTR-related conditions. In summary, the available evidence is currently insufficient to determine the role of this variant in disease. Therefore, it has been classified as a Variant of Uncertain Significance.